The following is an entry in ClinVar:

ClinVar aggregate classification (germline): Uncertain significance. Review status: criteria provided, multiple submitters, no conflicts (2 of 4 stars). 2 submissions from 2 submitters: Uncertain significance (2). Last evaluated 2025-05-21.

Conditions:
Hereditary cancer-predisposing syndrome. Also called: Tumor predisposition; Hereditary neoplastic syndrome; Neoplastic Syndromes, Hereditary; Hereditary Cancer Syndrome. Identifiers: Orphanet 140162, MedGen C0027672, MeSH D009386, MONDO:0015356.
Rhabdoid tumor predisposition syndrome 2 (RTPS2). Identifiers: Orphanet 231108, Orphanet 69077, MedGen C2750074, MONDO:0013224, OMIM 613325.

Submissions (2):

Ambry Genetics
Classification: Uncertain significance for Hereditary cancer-predisposing syndrome. Last evaluated: 2025-05-21. Review status: criteria provided, single submitter. Criteria: Ambry Variant Classification Scheme 2023. Collection method: clinical testing. Allele origin: germline.
Comment: The p.R973P variant (also known as c.2918G>C), located in coding exon 19 of the SMARCA4 gene, results from a G to C substitution at nucleotide position 2918. The arginine at codon 973 is replaced by proline, an amino acid with dissimilar properties. This amino acid position is conserved. In addition, this alteration is predicted to be deleterious by in silico analysis. Based on the available evidence, the clinical significance of this variant remains unclear.

Labcorp Genetics (formerly Invitae), Labcorp
Classification: Uncertain significance for Rhabdoid tumor predisposition syndrome 2. Last evaluated: 2019-02-09. Review status: criteria provided, single submitter. Criteria: Invitae Variant Classification Sherloc (09022015). Collection method: clinical testing. Allele origin: germline.
Comment: In summary, the available evidence is currently insufficient to determine the role of this variant in disease. Therefore, it has been classified as a Variant of Uncertain Significance. Algorithms developed to predict the effect of missense changes on protein structure and function are either unavailable or do not agree on the potential impact of this missense change (SIFT: "Deleterious"; PolyPhen-2: "Probably Damaging"; Align-GVGD: "Class C0"). This variant has not been reported in the literature in individuals with SMARCA4-related conditions. This variant is not present in population databases (ExAC no frequency). This sequence change replaces arginine with proline at codon 973 of the SMARCA4 protein (p.Arg973Pro). The arginine residue is highly conserved and there is a moderate physicochemical difference between arginine and proline.

NM_003072.5(SMARCA4):c.2918G>C (p.Arg973Pro)

Gene: SMARCA4 (SWI/SNF related BAF chromatin remodeling complex subunit ATPase 4; plus strand). Cytogenetic location: 19p13.2.
Variant type: single nucleotide variant.
Coding change: c.2918G>C on transcript NM_003072.5 (MANE Select); coding-DNA position 2918, G replaced by C.
Protein change: p.Arg973Pro; replaces arginine 973 with proline.
Molecular consequence: missense variant. On other transcripts: non-coding transcript variant (1).
Genome position (GRCh38, 1-based): chr19:11,023,576, G>C. VCF-style: chr19-11023576-G-C. GRCh37 (hg19) VCF-style: chr19-11134252-G-C.
Other names: c.2918G>C, p.Arg973Pro (NM_001128844.3, NM_001128845.2, NM_001128846.2 and 4 more transcripts); short protein forms R973P.
Identifiers: ClinVar variation 847215 (VCV000847215.10), dbSNP rs2090027331, ClinGen allele CA404057588.